The following is an entry in ClinVar:

NM_022114.4(PRDM16):c.2666C>T (p.Pro889Leu)

Gene: PRDM16 (PR/SET domain 16; plus strand). Cytogenetic location: 1p36.32.
Variant type: single nucleotide variant.
Coding change: c.2666C>T on transcript NM_022114.4 (MANE Select); coding-DNA position 2666, C replaced by T.
Protein change: p.Pro889Leu; replaces proline 889 with leucine.
Molecular consequence: missense variant.
Genome position (GRCh38, 1-based): chr1:3,414,622, C>T. VCF-style: chr1-3414622-C-T. GRCh37 (hg19) VCF-style: chr1-3331186-C-T.
Other names: c.2666C>T, p.Pro889Leu (NM_199454.3); short protein forms P889L.
Identifiers: ClinVar variation 487607 (VCV000487607.21), dbSNP rs201814961, ClinGen allele CA544557.

ClinVar aggregate classification (germline): Conflicting classifications of pathogenicity. Review status: criteria provided, conflicting classifications (1 of 4 stars). 7 submissions from 7 submitters: Uncertain significance (4); Likely benign (2). 1 of the submissions does not count toward it. Last evaluated 2025-12-29.

Conditions:
Left ventricular noncompaction 8 (LVNC8). Identifiers: Orphanet 154, Orphanet 54260, MedGen C3809288, MONDO:0014152, OMIM 615373.
Wolff-Parkinson-White pattern. Also called: Auriculoventricular accessory pathway syndrome; False bundle branch block syndrome; Anomalous ventricular excitation syndrome; WPW SYNDROME. Identifiers: MedGen C0043202, MONDO:0008685, OMIM 194200, HP:0001716.

Allele frequency attached by ClinVar (database versions not stated): gnomAD exomes 0.00018; TOPMed 0.00023; ExAC 0.00024; gnomAD 0.00024 and 0.00025; 1000 Genomes Project 0.00040; 1000 Genomes Project 30x 0.00047; ESP Exome Variant Server 0.00049.
gnomAD v4.1: 529 of 1,613,262 alleles (0.033%); highest among the groups gnomAD compares: Non-Finnish European, 0.041%; 2 homozygotes.

Submissions (7):

Labcorp Genetics (formerly Invitae), Labcorp
Classification: Uncertain significance for Left ventricular noncompaction 8. Last evaluated: 2025-12-29. Review status: criteria provided, single submitter. Criteria: Invitae Variant Classification Sherloc (09022015). Collection method: clinical testing. Allele origin: germline.
Comment: This sequence change replaces proline, which is neutral and non-polar, with leucine, which is neutral and non-polar, at codon 889 of the PRDM16 protein (p.Pro889Leu). This variant is present in population databases (rs201814961, gnomAD 0.03%), and has an allele count higher than expected for a pathogenic variant. This missense change has been observed in individual(s) with Wolff–Parkinson–White syndrome (PMID: 32233023). ClinVar contains an entry for this variant (Variation ID: 487607). An algorithm developed to predict the effect of missense changes on protein structure and function (PolyPhen-2) suggests that this variant is likely to be disruptive. In summary, the available evidence is currently insufficient to determine the role of this variant in disease. Therefore, it has been classified as a Variant of Uncertain Significance.

GeneDx
Classification: Uncertain significance. Last evaluated: 2025-01-08. Review status: criteria provided, single submitter. Criteria: GeneDx Variant Classification Process June 2021. Collection method: clinical testing. Allele origin: germline. Affected: yes.
Comment: In silico analysis supports that this missense variant has a deleterious effect on protein structure/function; This variant is associated with the following publications: (PMID: 32233023, 37614113)

Women's Health and Genetics/Laboratory Corporation of America, LabCorp
Classification: Likely benign. Last evaluated: 2024-11-29. Review status: criteria provided, single submitter. Criteria: LabCorp Variant Classification Summary - May 2015. Collection method: clinical testing. Allele origin: germline.
Comment: Variant summary: PRDM16 c.2666C>T (p.Pro889Leu) results in a non-conservative amino acid change in the encoded protein sequence. Four of five in-silico tools predict a damaging effect of the variant on protein function. The variant allele was found at a frequency of 0.00033 in 1613262 control chromosomes in the gnomAD database, including 2 homozygotes. The observed variant frequency is approximately 6.6 fold of the estimated maximal expected allele frequency for a pathogenic variant in PRDM16 causing Cardiomyopathy phenotype (5e-05). c.2666C>T has been reported in the literature in an individual affected with Wolff-Parkinson-White syndrome without cardiomyopathy (Coban-Akdemir_2020) and an individual affected with sudden death (Rohrer-2023). These report(s) do not provide unequivocal conclusions about association of the variant with Cardiomyopathy. To our knowledge, no experimental evidence demonstrating an impact on protein function has been reported.The following publications have been ascertained in the context of this evaluation (PMID: 32233023, 37614113). ClinVar contains an entry for this variant (Variation ID: 487607). Based on the evidence outlined above, the variant was classified as likely benign.

Blueprint Genetics
Classification: Likely benign. Last evaluated: 2024-05-10. Review status: criteria provided, single submitter. Criteria: ACMG Guidelines, 2015. Collection method: clinical testing. Allele origin: germline.

ARUP Laboratories, Molecular Genetics and Genomics, ARUP Laboratories
Classification: Uncertain significance. Last evaluated: 2023-12-14. Review status: criteria provided, single submitter. Criteria: ARUP Molecular Germline Variant Investigation Process 2024. Collection method: clinical testing. Allele origin: germline.
Comment: The PRDM16 c.2666C>T; p.Pro889Leu variant (rs201814961) is reported in the literature in an individual with Wolff-Parkinson-White syndrome and supraventricular tachycardia (Coban-Akdemir 2020). This variant is reported in ClinVar (Variation ID: 487607) and is found in the general population with an overall allele frequency of 0.02% (49/276,646 alleles) in the Genome Aggregation Database (v2.1.1). Computational analyses are uncertain whether this variant is neutral or deleterious (REVEL: 0.418). Due to limited information, the clinical significance of this variant is uncertain at this time. References: Coban-Akdemir ZH et al. Wolff-Parkinson-White syndrome: De novo variants and evidence for mutational burden in genes associated with atrial fibrillation. Am J Med Genet A. 2020 Jun;182(6):1387-1399. PMID: 32233023.

Fulgent Genetics
Classification: Uncertain significance for Left ventricular noncompaction 8. Last evaluated: 2022-05-19. Review status: criteria provided, single submitter. Criteria: ACMG Guidelines, 2015. Collection method: clinical testing. Allele origin: unknown.

Lupski Lab, Baylor-Hopkins CMG, Baylor College of Medicine
Classification: Uncertain significance for Wolff-Parkinson-White pattern. Last evaluated: 2017-07-14. Review status: no assertion criteria provided. Collection method: research. Allele origin: de novo. Affected: yes. Observed: 1 variant allele. Study: Candidate_variants_in_patients_with_ Wolff-Parkinson-White Syndrome. Not counted in ClinVar's aggregate classification.

Literature cited by the submitters: PubMed 32233023 (cited by Labcorp Genetics (formerly Invitae), Labcorp and Women's Health and Genetics/Laboratory Corporation of America, LabCorp); PubMed 37614113 (cited by Women's Health and Genetics/Laboratory Corporation of America, LabCorp).